The following is an entry in ClinVar:

ClinVar aggregate classification (germline): Uncertain significance (1 of 4 stars; one submission).

Conditions:
Hereditary cancer-predisposing syndrome. Also called: Tumor predisposition; Neoplastic Syndromes, Hereditary; Hereditary Cancer Syndrome; Hereditary neoplastic syndrome. Identifiers: Orphanet 140162, MedGen C0027672, MeSH D009386, MONDO:0015356.

Submission:

Ambry Genetics
Classification: Uncertain significance for Hereditary cancer-predisposing syndrome. Last evaluated: 2020-03-26. Review status: criteria provided, single submitter. Criteria: Ambry Variant Classification Scheme 2023. Collection method: clinical testing. Allele origin: germline.
Comment: The p.E1037G variant (also known as c.3110A>G), located in coding exon 20 of the RAD50 gene, results from an A to G substitution at nucleotide position 3110. The glutamic acid at codon 1037 is replaced by glycine, an amino acid with similar properties. This amino acid position is not well conserved in available vertebrate species. In addition, this alteration is predicted to be tolerated by in silico analysis. Since supporting evidence is limited at this time, the clinical significance of this alteration remains unclear.

NM_005732.4(RAD50):c.3110A>G (p.Glu1037Gly)

Gene: RAD50 (RAD50 double strand break repair protein; plus strand). Cytogenetic location: 5q31.1.
Variant type: single nucleotide variant.
Coding change: c.3110A>G on transcript NM_005732.4 (MANE Select); coding-DNA position 3110, A replaced by G.
Protein change: p.Glu1037Gly; replaces glutamic acid 1037 with glycine.
Molecular consequence: missense variant.
Genome position (GRCh38, 1-based): chr5:132,616,076, A>G. VCF-style: chr5-132616076-A-G. GRCh37 (hg19) VCF-style: chr5-131951768-A-G.
Other names: short protein forms E1037G.
Identifiers: ClinVar variation 1727745 (VCV001727745.2), dbSNP rs2479384421, ClinGen allele CA360963676.
Genomic context (GRCh38, chr5:132,616,076, plus strand): 5'-GGCTACAAGATAACCTTACTTTAAGAAAAAGAAATGAGGAACTAAAAGAAGTTGAAGAAG[A>G]AAGAAAACAACATTTGAAGGAAATGGGTCAAATGCAGGTTTTGCAAATGAAAAGGTATGC-3'
Protein context (NP_005723.2, residues 1027-1047): RNEELKEVEE[Glu1037Gly]RKQHLKEMGQ